The following is an entry in ClinVar:

ClinVar aggregate classification (germline): Uncertain significance (1 of 4 stars; one submission).

Conditions:
Malignant hyperthermia, susceptibility to, 1 (MHS1). Also called: RYR1-Related Malignant Hyperthermia Susceptibility; Malignant hyperthermia suceptibility 1; Anesthesia related hyperthermia; Malignant hyperpyrexia; Fulminating hyperpyrexia; Pharmacogenic myopathy. Identifiers: Orphanet 423, MedGen C2930980, MONDO:0007783, OMIM 145600.

gnomAD v4.1: 3 of 1,613,316 alleles (0.00019%); highest among the groups gnomAD compares: Non-Finnish European, 0.00025%; no homozygotes.

Submission:

Color Diagnostics, LLC DBA Color Health
Classification: Uncertain significance for Malignant hyperthermia, susceptibility to, 1. Last evaluated: 2025-06-30. Review status: criteria provided, single submitter. Criteria: ACMG Guidelines, 2015. Collection method: clinical testing. Allele origin: germline.
Comment: This missense variant replaces leucine with proline at codon 2536 of the RYR1 protein. Computational prediction suggests that this variant may have deleterious impact on protein structure and function. To our knowledge, functional studies have not been reported for this variant. This variant has not been reported in individuals affected with RYR1-related disorders in the literature. This variant has not been identified in the general population by the Genome Aggregation Database (gnomAD). The available evidence is insufficient to determine the role of this variant in disease conclusively. Therefore, this variant is classified as a Variant of Uncertain Significance.

NM_000540.3(RYR1):c.7607T>C (p.Leu2536Pro)

Gene: RYR1 (ryanodine receptor 1; plus strand). Cytogenetic location: 19q13.2.
Variant type: single nucleotide variant.
Coding change: c.7607T>C on transcript NM_000540.3 (MANE Select); coding-DNA position 7607, T replaced by C.
Protein change: p.Leu2536Pro; replaces leucine 2536 with proline.
Molecular consequence: missense variant.
Genome position (GRCh38, 1-based): chr19:38,500,983, T>C. VCF-style: chr19-38500983-T-C. GRCh37 (hg19) VCF-style: chr19-38991623-T-C.
Other names: c.7607T>C, p.Leu2536Pro (NM_001042723.2); short protein forms L2536P.
Identifiers: ClinVar variation 4757639 (VCV004757639.1).